The following is an entry in ClinVar:

NM_001148.6(ANK2):c.3691A>G (p.Lys1231Glu)

Gene: ANK2 (ankyrin 2; plus strand). Cytogenetic location: 4q26.
Variant type: single nucleotide variant.
Coding change: c.3691A>G on transcript NM_001148.6 (MANE Select); coding-DNA position 3691, A replaced by G.
Protein change: p.Lys1231Glu; replaces lysine 1231 with glutamic acid.
Molecular consequence: missense variant.
Genome position (GRCh38, 1-based): chr4:113,336,676, A>G. VCF-style: chr4-113336676-A-G. GRCh37 (hg19) VCF-style: chr4-114257832-A-G.
Other names: c.3664A>G, p.Lys1222Glu (NM_001127493.3); c.3703A>G, p.Lys1235Glu (NM_001354225.2); c.3592A>G, p.Lys1198Glu (NM_001354228.2, NM_001354258.2); c.3670A>G, p.Lys1224Glu (NM_001354230.2); c.3733A>G, p.Lys1245Glu (NM_001354231.2, NM_001354242.2); c.3727A>G, p.Lys1243Glu (NM_001354232.2); c.3688A>G, p.Lys1230Glu (NM_001354235.2, NM_001354246.2, NM_001354265.2); c.3589A>G, p.Lys1197Glu (NM_001354236.2); and 31 more; short protein forms K1103E, K1136E, K1160E, K1176E, K1177E, K1197E, K1214E, K1221E.
Identifiers: ClinVar variation 3781305 (VCV003781305.1).

ClinVar aggregate classification (germline): Uncertain significance (1 of 4 stars; one submission).

Submission:

GeneDx
Classification: Uncertain significance. Last evaluated: 2024-10-21. Review status: criteria provided, single submitter. Criteria: GeneDx Variant Classification Process June 2021. Collection method: clinical testing. Allele origin: germline. Affected: yes.
Comment: Not observed at significant frequency in large population cohorts (gnomAD); In silico analysis supports that this missense variant has a deleterious effect on protein structure/function; Has not been previously published as pathogenic or benign to our knowledge